The following is an entry in ClinVar:

NM_139076.3(ABRAXAS1):c.514_515delinsAA (p.Gly172Asn)

Gene: ABRAXAS1 (abraxas 1, BRCA1 A complex subunit; minus strand). Cytogenetic location: 4q21.23.
Variant type: Indel.
Coding change: c.514_515delinsAA on transcript NM_139076.3 (MANE Select); coding-DNA positions 514 to 515, GG replaced by AA.
Protein change: p.Gly172Asn; replaces glycine 172 with asparagine.
Molecular consequence: missense variant.
Genome position (GRCh38, 1-based): chr4:83,469,113-83,469,114, CC replaced by TT on the plus strand (GG replaced by AA on the coding strand, the reverse complement: ABRAXAS1 is on the minus strand). VCF-style: chr4-83469113-CC-TT. GRCh37 (hg19) VCF-style: chr4-84390266-CC-TT.
Other names: c.187_188delinsAA, p.Gly63Asn (NM_001345962.2); short protein forms G172N, G63N.
Identifiers: ClinVar variation 2198808 (VCV002198808.4), dbSNP rs2529435445, ClinGen allele CA2580071847.

ClinVar aggregate classification (germline): Uncertain significance (1 of 4 stars; one submission).

Submission:

Labcorp Genetics (formerly Invitae), Labcorp
Classification: Uncertain significance. Last evaluated: 2023-08-27. Review status: criteria provided, single submitter. Criteria: Invitae Variant Classification Sherloc (09022015). Collection method: clinical testing. Allele origin: germline.
Comment: The frequency data for this variant in the population databases is considered unreliable, as metrics indicate poor data quality at this position in the gnomAD database. This sequence change replaces glycine, which is neutral and non-polar, with asparagine, which is neutral and polar, at codon 172 of the ABRAXAS1 protein (p.Gly172Asn). This variant has not been reported in the literature in individuals affected with ABRAXAS1-related conditions. In summary, the available evidence is currently insufficient to determine the role of this variant in disease. Therefore, it has been classified as a Variant of Uncertain Significance. An algorithm developed to predict the effect of missense changes on protein structure and function (PolyPhen-2) suggests that this variant is likely to be disruptive. ClinVar contains an entry for this variant (Variation ID: 2198808).